The following is an entry in ClinVar:

NM_012144.4(DNAI1):c.336del (p.Asp114fs)

Gene: DNAI1 (dynein axonemal intermediate chain 1; plus strand). Cytogenetic location: 9p13.3.
Variant type: Deletion.
Coding change: c.336del on transcript NM_012144.4 (MANE Select); coding-DNA position 336, one base deleted (C; older notation c.336delC).
Protein change: p.Asp114fs; shifts the reading frame from aspartic acid 114.
Molecular consequence: frameshift variant.
Genome position (GRCh38, 1-based): chr9:34,489,397, C deleted; the last of 4 consecutive C bases (chr9:34,489,394-34,489,397); deleting any one gives the same sequence. VCF-style (leftmost placement, unchanged base first): chr9-34489393-TC-T. GRCh37 (hg19) VCF-style: chr9-34489391-TC-T.
Other names: c.336del, p.Asp114fs (NM_001281428.2); short protein forms D114fs.
Identifiers: ClinVar variation 228334 (VCV000228334.17), dbSNP rs876657683, ClinGen allele CA10576750.
Genomic context (GRCh38, chr9:34,489,393, plus strand): 5'-ATAAGCCTATTGGCTTTGTGAACCAACTGGCAGTTCACTACACCCAGGTTGGGAACCTGA[TC>T]CCCAAAGACTCAGATGAAGGACGGCGGCAGCATTACCGCGATGAATTAGTGGCAGGTAGG-3'

ClinVar aggregate classification (germline): Pathogenic/Likely pathogenic. Review status: criteria provided, multiple submitters, no conflicts (2 of 4 stars). 7 submissions from 7 submitters: Pathogenic (4); Likely pathogenic (2). 1 of the submissions does not count toward it. Last evaluated 2025-05-16.

Conditions:
DNAI1-related disorder. Also called: DNAI1-related condition.
Kartagener syndrome (CILD1). Also called: CILIARY DYSKINESIA, PRIMARY, 1; CILIARY DYSKINESIA, PRIMARY, 1, WITH OR WITHOUT SITUS INVERSUS; Dextrocardia bronchiectasis and sinusitis; POLYNESIAN BRONCHIECTASIS; SIEWERT SYNDROME; IMMOTILE CILIA SYNDROME. Identifiers: Orphanet 244, MedGen C4551906, MONDO:0009484, OMIM 244400.
Primary ciliary dyskinesia. Also called: Ciliary dyskinesia. Identifiers: Orphanet 244, MedGen C0008780, MONDO:0016575, HP:0012265.

Submissions (7):

Natera, Inc.
Classification: Likely pathogenic for Primary ciliary dyskinesia. Last evaluated: 2025-05-16. Review status: criteria provided, single submitter. Criteria: Natera Variant Classification Schema (03/2026). Collection method: clinical testing. Allele origin: germline.
Comment: The c.336delC variant in DNAI1 is a frameshift variant predicted to shift the reading frame beginning at codon 114 and leads to a stop codon 14 codons downstream. This variant is expected to result in nonsense mediated decay, truncation, or a dysfunctional protein product. This variant is rare in the general population with a frequency below the threshold expected for the associated phenotype(s). Given the available evidence, this variant is classified as Likely Pathogenic.

Myriad Genetics, Inc.
Classification: Pathogenic for Kartagener syndrome. Last evaluated: 2024-05-14. Review status: criteria provided, single submitter. Criteria: Myriad Autosomal Dominant, Autosomal Recessive and X-Linked Classification Criteria (2023). Collection method: clinical testing. Allele origin: unknown.
Comment: NM_012144.2(DNAI1):c.336delC(D114Tfs*14) is expected to be pathogenic in the context of primary ciliary dyskinesia, DNAI1-related. This variant is predicted to lead to an abnormal or absent protein product due to the creation of a premature termination codon in DNAI1, a gene where loss-of-function variants are known to be pathogenic. Please note: this variant was assessed in the context of healthy population screening.

Labcorp Genetics (formerly Invitae), Labcorp
Classification: Pathogenic for Primary ciliary dyskinesia. Last evaluated: 2024-04-19. Review status: criteria provided, single submitter. Criteria: Invitae Variant Classification Sherloc (09022015). Collection method: clinical testing. Allele origin: germline.
Comment: This sequence change creates a premature translational stop signal (p.Asp114Thrfs*14) in the DNAI1 gene. It is expected to result in an absent or disrupted protein product. Loss-of-function variants in DNAI1 are known to be pathogenic (PMID: 16858015, 29363216). This variant is not present in population databases (gnomAD no frequency). This variant has not been reported in the literature in individuals affected with DNAI1-related conditions. ClinVar contains an entry for this variant (Variation ID: 228334). For these reasons, this variant has been classified as Pathogenic.

Fulgent Genetics
Classification: Likely pathogenic for Kartagener syndrome. Last evaluated: 2024-01-18. Review status: criteria provided, single submitter. Criteria: ACMG Guidelines, 2015. Collection method: clinical testing. Allele origin: germline.

Ambry Genetics
Classification: Pathogenic for Primary ciliary dyskinesia. Last evaluated: 2019-04-29. Review status: criteria provided, single submitter. Criteria: Ambry Variant Classification Scheme 2023. Collection method: clinical testing. Allele origin: germline.
Comment: The c.336delC pathogenic mutation, located in coding exon 5 of the DNAI1 gene, results from a deletion of one nucleotide at nucleotide position 336, causing a translational frameshift with a predicted alternate stop codon (p.D114Tfs*14). This alteration is expected to result in loss of function by premature protein truncation or nonsense-mediated mRNA decay. As such, this alteration is interpreted as a disease-causing mutation.

Laboratory for Molecular Medicine, Mass General Brigham Personalized Medicine
Classification: Pathogenic for Primary ciliary dyskinesia. Last evaluated: 2016-01-27. Review status: criteria provided, single submitter. Criteria: LMM Criteria. Collection method: clinical testing. Allele origin: germline. Observed: 1 variant allele.
Comment: The p.Asp114fs variant in DNAI1 has not been previously reported in individuals with primary ciliary dyskinesia or in large population studies. This variant is predicted to cause a frameshift, which alters the protein?s amino acid sequence beginning at position 114 and leads to a premature termination codon 14 amino ac ids downstream. This alteration is then predicted to lead to a truncated or abse nt protein. Homozygous and compound heterozygous loss of function variants in D NAI1 have been well documented in individuals with primary ciliary dyskinesia ac ross several studies and are rare in individuals from large population databases . In addition, an animal model study reveals that absence of Dnaic1 in mice lead s to a reduction of mucociliary clearance resulting in chronic rhinosinusitis, which supports loss of funtion as a disease mechanism (Ostrowski 2009). In summa ry, this variant meets our criteria to be classified as pathogenic for primary c iliary dyskinesia in an autosomal recessive manner (sonalizedmedicine/LMM) based upon its predicted impact on the protein.

PreventionGenetics, part of Exact Sciences
Classification: Likely pathogenic for DNAI1-related condition. Last evaluated: 2024-09-11. Review status: no assertion criteria provided. Collection method: clinical testing. Allele origin: germline. Not counted in ClinVar's aggregate classification.
Comment: The DNAI1 c.336delC variant is predicted to result in a frameshift and premature protein termination (p.Asp114Thrfs*14). To our knowledge, this variant has not been reported in the literature or in a large population database, indicating this variant is rare. Frameshift variants in DNAI1 are expected to be pathogenic. This variant is interpreted as likely pathogenic.

Literature cited by the submitters: PubMed 16858015 (cited by Labcorp Genetics (formerly Invitae), Labcorp); PubMed 29363216 (cited by Labcorp Genetics (formerly Invitae), Labcorp); PubMed 19675306 (cited by Laboratory for Molecular Medicine, Mass General Brigham Personalized Medicine).